The following is an entry in ClinVar:

ClinVar aggregate classification (germline): Uncertain significance (1 of 4 stars; one submission).

Submission:

GeneDx
Classification: Uncertain significance. Last evaluated: 2023-11-13. Review status: criteria provided, single submitter. Criteria: GeneDx Variant Classification Process June 2021. Collection method: clinical testing. Allele origin: germline. Affected: yes.
Comment: Not observed at significant frequency in large population cohorts (gnomAD); In silico analysis supports that this missense variant has a deleterious effect on protein structure/function; Has not been previously published as pathogenic or benign to our knowledge

NM_005219.5(DIAPH1):c.439A>G (p.Met147Val)

Gene: DIAPH1 (diaphanous related formin 1; minus strand). Cytogenetic location: 5q31.3.
Variant type: single nucleotide variant.
Coding change: c.439A>G on transcript NM_005219.5 (MANE Select); coding-DNA position 439, A replaced by G.
Protein change: p.Met147Val; replaces methionine 147 with valine.
Molecular consequence: missense variant.
Genome position (GRCh38, 1-based): chr5:141,583,579, T>C on the plus strand (A>G on the coding strand, the complement: DIAPH1 is on the minus strand). VCF-style: chr5-141583579-T-C. GRCh37 (hg19) VCF-style: chr5-140963146-T-C.
Other names: c.412A>G, p.Met138Val (NM_001079812.3); c.439A>G, p.Met147Val (NM_001314007.2); short protein forms M138V, M147V.
Identifiers: ClinVar variation 3340768 (VCV003340768.1).